The following is an entry in ClinVar:

NM_002691.4(POLD1):c.589+6T>A

Gene: POLD1 (DNA polymerase delta 1, catalytic subunit; plus strand). Cytogenetic location: 19q13.33.
Variant type: single nucleotide variant.
Coding change: c.589+6T>A on transcript NM_002691.4 (MANE Select); 6 bases into the intron after coding-DNA position 589, T replaced by A.
Molecular consequence: intron variant.
Genome position (GRCh38, 1-based): chr19:50,402,130, T>A. VCF-style: chr19-50402130-T-A. GRCh37 (hg19) VCF-style: chr19-50905387-T-A.
Other names: c.589+6T>A (NM_001256849.1, NM_001308632.1).
Identifiers: ClinVar variation 2087488 (VCV002087488.4), dbSNP rs2122241024, ClinGen allele CA406973551.

ClinVar aggregate classification (germline): Uncertain significance (1 of 4 stars; one submission).

Conditions:
POLD1-related polyposis and colorectal cancer syndrome (CRCS10). Also called: Colorectal cancer 10; COLORECTAL CANCER, SUSCEPTIBILITY TO, ON CHROMOSOME 19q; Colorectal cancer, susceptibility to, 10. Identifiers: Orphanet 220460, MedGen C2675481, MONDO:0012953, OMIM 612591.

Submission:

Labcorp Genetics (formerly Invitae), Labcorp
Classification: Uncertain significance for POLD1-related polyposis and colorectal cancer syndrome. Last evaluated: 2022-01-18. Review status: criteria provided, single submitter. Criteria: Invitae Variant Classification Sherloc (09022015). Collection method: clinical testing. Allele origin: germline.
Comment: This variant is not present in population databases (gnomAD no frequency). In summary, the available evidence is currently insufficient to determine the role of this variant in disease. Therefore, it has been classified as a Variant of Uncertain Significance. Variants that disrupt the consensus splice site are a relatively common cause of aberrant splicing (PMID: 17576681, 9536098). Algorithms developed to predict the effect of sequence changes on RNA splicing suggest that this variant may disrupt the consensus splice site. This variant has not been reported in the literature in individuals affected with POLD1-related conditions. This sequence change falls in intron 5 of the POLD1 gene. It does not directly change the encoded amino acid sequence of the POLD1 protein. It affects a nucleotide within the consensus splice site.

Literature cited by the submitters: PubMed 17576681; PubMed 9536098.